The following is an entry in ClinVar:

ClinVar aggregate classification (germline): Conflicting classifications of pathogenicity. Review status: criteria provided, conflicting classifications (1 of 4 stars). 4 submissions from 4 submitters: Uncertain significance (3); Likely benign (1). Last evaluated 2025-04-10.

Conditions:
Hereditary cancer-predisposing syndrome. Also called: Neoplastic Syndromes, Hereditary; Tumor predisposition; Hereditary Cancer Syndrome; Hereditary neoplastic syndrome. Identifiers: Orphanet 140162, MedGen C0027672, MeSH D009386, MONDO:0015356.
Hereditary breast ovarian cancer syndrome. Also called: Breast and ovarian cancer; Hereditary breast and ovarian cancer; Hereditary breast and/or ovarian cancer syndrome; BRCA1- and BRCA2-Associated Hereditary Breast and Ovarian Cancer; Hereditary breast and ovarian cancer syndrome; Hereditary breast and ovarian cancer syndrome (HBOC). Identifiers: Orphanet 145, MedGen C0677776, MeSH D061325, MONDO:0003582. Disease mechanism: loss of function.

Allele frequency attached by ClinVar (database versions not stated): TOPMed below 0.00001.

Submissions (4):

Labcorp Genetics (formerly Invitae), Labcorp
Classification: Uncertain significance for Hereditary breast ovarian cancer syndrome. Last evaluated: 2025-04-10. Review status: criteria provided, single submitter. Criteria: Invitae Variant Classification Sherloc (09022015). Collection method: clinical testing. Allele origin: germline.
Comment: This sequence change replaces glutamic acid, which is acidic and polar, with glutamine, which is neutral and polar, at codon 904 of the BRCA1 protein (p.Glu904Gln). This variant is not present in population databases (gnomAD no frequency). This variant has not been reported in the literature in individuals affected with BRCA1-related conditions. ClinVar contains an entry for this variant (Variation ID: 141808). Invitae Evidence Modeling of protein sequence and biophysical properties (such as structural, functional, and spatial information, amino acid conservation, physicochemical variation, residue mobility, and thermodynamic stability) has been performed for this missense variant. However, the output from this modeling did not meet the statistical confidence thresholds required to predict the impact of this variant on BRCA1 protein function. In summary, the available evidence is currently insufficient to determine the role of this variant in disease. Therefore, it has been classified as a Variant of Uncertain Significance.

University of Washington Department of Laboratory Medicine, University of Washington
Classification: Likely benign for Hereditary cancer-predisposing syndrome. Last evaluated: 2023-03-23. Review status: criteria provided, single submitter. Criteria: Dines et al. (Genet Med. 2020). Collection method: curation. Allele origin: germline.
Comment: Missense variant in a coldspot region where missense variants are very unlikely to be pathogenic (PMID:31911673).

BRCA1 coldspot (exon 11 using historical exon numbering). Reclassification based on statistical prior probability

Color Diagnostics, LLC DBA Color Health
Classification: Uncertain significance for Hereditary cancer-predisposing syndrome. Last evaluated: 2019-03-27. Review status: criteria provided, single submitter. Criteria: ACMG Guidelines, 2015. Collection method: clinical testing. Allele origin: germline.

Ambry Genetics
Classification: Uncertain significance for Hereditary cancer-predisposing syndrome. Last evaluated: 2013-10-15. Review status: criteria provided, single submitter. Criteria: Ambry Autosomal Dominant and X-Linked criteria (10/2015). Collection method: clinical testing. Allele origin: germline. Observed: 1 variant allele.
Comment: Ã¢â‚¬â€¹The p.E904Q variant (also known as c.2710G>C or 2829G>C) is located in coding exon 9 of the BRCA1 gene. This alteration results from a G to C substitution at nucleotide position 2710. The glutamic acid at codon 904 is replaced by glutamine, an amino acid with highly similar properties. This variant was not reported in population-based cohorts in the following databases: Database of Single Nucleotide Polymorphisms (dbSNP), NHLBI Exome Sequencing Project (ESP) and 1000 Genomes Project. Based on protein sequence alignment, this amino acid position is poorly conserved in available vertebrate species. In addition, this alteration is predicted to be possibly damaging by PolyPhen but tolerated by SIFT in silico analyses. Since supporting evidence is limited at this time, the clinical significance of p.E904Q remains unclear.

NM_007294.4(BRCA1):c.2710G>C (p.Glu904Gln)

Gene: BRCA1 (BRCA1 DNA repair associated; minus strand). Cytogenetic location: 17q21.31.
Variant type: single nucleotide variant.
Coding change: c.2710G>C on transcript NM_007294.4 (MANE Select); coding-DNA position 2710, G replaced by C.
Protein change: p.Glu904Gln; replaces glutamic acid 904 with glutamine.
Molecular consequence: missense variant. On other transcripts: intron variant (137).
Genome position (GRCh38, 1-based): chr17:43,092,821, C>G on the plus strand (G>C on the coding strand, the complement: BRCA1 is on the minus strand). VCF-style: chr17-43092821-C-G. GRCh37 (hg19) VCF-style: chr17-41244838-C-G.
Other names: c.2500G>C, p.Glu834Gln (NM_001407900.1, NM_001407902.1, NM_001407904.1 and 13 more transcripts); c.2497G>C, p.Glu833Gln (NM_001407915.1, NM_001407916.1, NM_001407917.1 and 9 more transcripts); c.2587G>C, p.Glu863Gln (NM_001407919.1, NM_001407937.1, NM_001407938.1 and 19 more transcripts); c.2446G>C, p.Glu816Gln (NM_001407920.1, NM_001407921.1, NM_001407922.1 and 9 more transcripts); c.2443G>C, p.Glu815Gln (NM_001407930.1, NM_001407931.1, NM_001407932.1 and 2 more transcripts); c.2584G>C, p.Glu862Gln (NM_001407940.1, NM_001407941.1, NM_001407649.1 and 11 more transcripts); c.2569G>C, p.Glu857Gln (NM_001407942.1, NM_001407944.1, NM_001407945.1 and 29 more transcripts); c.2566G>C, p.Glu856Gln (NM_001407943.1, NM_001407964.1, NM_001407740.1 and 20 more transcripts); and 41 more; short protein forms E904Q, E857Q, E608Q, E777Q, E793Q, E833Q, E856Q, E862Q.
Identifiers: ClinVar variation 141808 (VCV000141808.16), dbSNP rs80357035, ClinGen allele CA001785.